The following is an entry in ClinVar:

ClinVar aggregate classification (germline): Benign/Likely benign. Review status: criteria provided, multiple submitters, no conflicts (2 of 4 stars). 5 submissions from 5 submitters: Benign (1); Likely benign (3). 1 of the submissions does not count toward it. Last evaluated 2026-06-03.

Conditions:
KIT-related disorder. Also called: KIT-related condition.
Gastrointestinal stromal tumor. Also called: Gastrointestinal stromal tumor, somatic; Gastrointestinal stroma tumor. Identifiers: Orphanet 44890, MedGen C0238198, MeSH D046152, MONDO:0011719, OMIM 606764, HP:0100723.
Hereditary cancer-predisposing syndrome. Also called: Tumor predisposition; Hereditary Cancer Syndrome; Neoplastic Syndromes, Hereditary; Hereditary neoplastic syndrome. Identifiers: Orphanet 140162, MedGen C0027672, MeSH D009386, MONDO:0015356.

Allele frequency attached by ClinVar (database versions not stated): TOPMed 0.00002.
gnomAD v4.1: 30 of 1,613,732 alleles (0.0019%); highest among the groups gnomAD compares: African/African-American, 0.015%; 1 homozygote.

Submissions (5):

Myriad Genetics, Inc.
Classification: Benign for Gastrointestinal stromal tumor. Last evaluated: 2026-06-03. Review status: criteria provided, single submitter. Criteria: Myriad Autosomal Dominant, Autosomal Recessive and X-Linked Classification Criteria (2023). Collection method: clinical testing. Allele origin: unknown.
Comment: This variant is considered benign. This variant is a silent/synonymous amino acid change and it is not expected to impact splicing.

Labcorp Genetics (formerly Invitae), Labcorp
Classification: Likely benign for Gastrointestinal stromal tumor. Last evaluated: 2025-11-17. Review status: criteria provided, single submitter. Criteria: Invitae Variant Classification Sherloc (09022015). Collection method: clinical testing. Allele origin: germline.

CeGaT Center for Human Genetics Tuebingen
Classification: Likely benign. Last evaluated: 2025-05-01. Review status: criteria provided, single submitter. Criteria: CeGaT Center For Human Genetics Tuebingen Variant Classification Criteria Version 2. Collection method: clinical testing. Allele origin: germline. Affected: yes. Observed: 1 variant allele.
Comment: KIT: BP4, BP7

Ambry Genetics
Classification: Likely benign for Hereditary cancer-predisposing syndrome. Last evaluated: 2022-04-19. Review status: criteria provided, single submitter. Criteria: Ambry Variant Classification Scheme 2023. Collection method: clinical testing. Allele origin: germline.

PreventionGenetics, part of Exact Sciences
Classification: Likely benign for KIT-related condition. Last evaluated: 2019-02-21. Review status: no assertion criteria provided. Collection method: clinical testing. Allele origin: germline. Not counted in ClinVar's aggregate classification.
Comment: This variant is classified as likely benign based on ACMG/AMP sequence variant interpretation guidelines (Richards et al. 2015 PMID: 25741868, with internal and published modifications).

NM_000222.3(KIT):c.1155C>T (p.Thr385=)

Gene: KIT (KIT proto-oncogene, receptor tyrosine kinase; plus strand). Cytogenetic location: 4q12.
Variant type: single nucleotide variant.
Coding change: c.1155C>T on transcript NM_000222.3 (MANE Select); coding-DNA position 1155, C replaced by T.
Protein change: p.Thr385=; no amino-acid change (threonine 385 retained).
Molecular consequence: synonymous variant.
Genome position (GRCh38, 1-based): chr4:54,709,463, C>T. VCF-style: chr4-54709463-C-T. GRCh37 (hg19) VCF-style: chr4-55575629-C-T.
Other names: c.1155C>T, p.Thr385= (NM_001093772.2, NM_001385285.1, NM_001385286.1); c.1158C>T, p.Thr386= (NM_001385284.1, NM_001385288.1, NM_001385290.1 and 1 more transcripts).
Identifiers: ClinVar variation 237236 (VCV000237236.25), dbSNP rs373472667, ClinGen allele CA2923399.
Genomic context (GRCh38, chr4:54,709,463, plus strand): 5'-CTAGTTGTCTTTTCTTTGTAGATACGTAAGTGAACTTCATCTAACGAGATTAAAAGGCAC[C>T]GAAGGAGGCACTTACACATTCCTAGTGTCCAATTCTGACGTCAATGCTGCCATAGCATTT-3'
Protein context (NP_000213.1, residues 375-395): SELHLTRLKG[Thr385=]EGGTYTFLVS